The following is an entry in ClinVar:

ClinVar aggregate classification (germline): Benign/Likely benign. Review status: criteria provided, multiple submitters, no conflicts (2 of 4 stars). 6 submissions from 6 submitters: Benign (5); Likely benign (1). Last evaluated 2026-06-05.

Allele frequency attached by ClinVar (database versions not stated): gnomAD exomes 0.00019 and 0.00041; ExAC 0.00125; 1000 Genomes Project 0.00180; gnomAD 0.00202 and 0.00222; 1000 Genomes Project 30x 0.00203; ESP Exome Variant Server 0.00231; TOPMed 0.00233.

Submissions (6):

Women's Health and Genetics/Laboratory Corporation of America, LabCorp
Classification: Likely benign. Last evaluated: 2026-06-05. Review status: criteria provided, single submitter. Criteria: LabCorp Variant Classification Summary - May 2015. Collection method: clinical testing. Allele origin: germline.

Labcorp Genetics (formerly Invitae), Labcorp
Classification: Benign. Last evaluated: 2025-12-09. Review status: criteria provided, single submitter. Criteria: Invitae Variant Classification Sherloc (09022015). Collection method: clinical testing. Allele origin: germline.

ARUP Laboratories, Molecular Genetics and Genomics, ARUP Laboratories
Classification: Benign. Last evaluated: 2025-03-12. Review status: criteria provided, single submitter. Criteria: ARUP Molecular Germline Variant Investigation Process 2024. Collection method: clinical testing. Allele origin: germline.

Blueprint Genetics
Classification: Benign. Last evaluated: 2024-07-15. Review status: criteria provided, single submitter. Criteria: ACMG Guidelines, 2015. Collection method: clinical testing. Allele origin: germline.

Mayo Clinic Laboratories, Mayo Clinic
Classification: Benign. Last evaluated: 2023-08-18. Review status: criteria provided, single submitter. Criteria: ACMG Guidelines, 2015. Collection method: clinical testing. Allele origin: germline. Observed: 5 variant alleles.
Comment: BS1, BS2, BP4, BP7

Athena Diagnostics
Classification: Benign. Last evaluated: 2019-03-30. Review status: criteria provided, single submitter. Criteria: Athena Diagnostics Criteria. Collection method: clinical testing. Allele origin: germline.

NM_000435.3(NOTCH3):c.2724C>T (p.Phe908=)

Gene: NOTCH3 (notch receptor 3; minus strand). Cytogenetic location: 19p13.12.
Variant type: single nucleotide variant.
Coding change: c.2724C>T on transcript NM_000435.3 (MANE Select); coding-DNA position 2724, C replaced by T.
Protein change: p.Phe908=; no amino-acid change (phenylalanine 908 retained).
Molecular consequence: synonymous variant.
Genome position (GRCh38, 1-based): chr19:15,181,644, G>A on the plus strand (C>T on the coding strand, the complement: NOTCH3 is on the minus strand). VCF-style: chr19-15181644-G-A. GRCh37 (hg19) VCF-style: chr19-15292455-G-A.
Other names: p.Phe908=.
Identifiers: ClinVar variation 767179 (VCV000767179.16), dbSNP rs61731967, ClinGen allele CA9263298.